The following is an entry in ClinVar:

NM_001042413.2(GLIS3):c.*2813C>T

Gene: GLIS3 (GLIS family zinc finger 3; minus strand). Cytogenetic location: 9p24.2.
Variant type: single nucleotide variant.
Coding change: c.*2813C>T on transcript NM_001042413.2 (MANE Select); 2813 bases downstream of the stop codon, C replaced by T.
Molecular consequence: 3 prime UTR variant.
Genome position (GRCh38, 1-based): chr9:3,825,459, G>A on the plus strand (C>T on the coding strand, the complement: GLIS3 is on the minus strand). VCF-style: chr9-3825459-G-A. GRCh37 (hg19) VCF-style: chr9-3825459-G-A.
Other names: c.*2813C>T (NM_152629.4).
Identifiers: ClinVar variation 366910 (VCV000366910.5), dbSNP rs77896717, ClinGen allele CA10634077.

ClinVar aggregate classification (germline): Benign (1 of 4 stars; one submission).

Conditions:
Neonatal diabetes mellitus with congenital hypothyroidism. Also called: NDH SYNDROME. Identifiers: Orphanet 79118, MedGen C1857775, MONDO:0012436, OMIM 610199.

Allele frequency attached by ClinVar (database versions not stated): gnomAD 0.03331 and 0.03600; TOPMed 0.03891; 1000 Genomes Project 0.03894; 1000 Genomes Project 30x 0.04279.

Submission:

Illumina Laboratory Services, Illumina
Classification: Benign for Neonatal diabetes mellitus with congenital hypothyroidism. Last evaluated: 2018-01-12. Review status: criteria provided, single submitter. Criteria: ICSL Variant Classification Criteria 13 December 2019. Collection method: clinical testing. Allele origin: germline.
Comment: This variant was observed in the ICSL laboratory as part of a predisposition screen in an ostensibly healthy population. It had not been previously curated by ICSL or reported in the Human Gene Mutation Database (HGMD: prior to June 1st, 2018), and was therefore a candidate for classification through an automated scoring system. Utilizing variant allele frequency, disease prevalence and penetrance estimates, and inheritance mode, an automated score was calculated to assess if this variant is too frequent to cause the disease. Based on the score and internal cut-off values, a variant classified as benign is not then subjected to further curation. The score for this variant resulted in a classification of benign for this disease.